The following is an entry in ClinVar:

NM_004369.4(COL6A3):c.716A>G (p.Asp239Gly)

Gene: COL6A3 (collagen type VI alpha 3 chain; minus strand). Cytogenetic location: 2q37.3.
Variant type: single nucleotide variant.
Coding change: c.716A>G on transcript NM_004369.4 (MANE Select); coding-DNA position 716, A replaced by G.
Protein change: p.Asp239Gly; replaces aspartic acid 239 with glycine.
Molecular consequence: missense variant. On other transcripts: intron variant (2).
Genome position (GRCh38, 1-based): chr2:237,388,178, T>C on the plus strand (A>G on the coding strand, the complement: COL6A3 is on the minus strand). VCF-style: chr2-237388178-T-C. GRCh37 (hg19) VCF-style: chr2-238296821-T-C.
Other names: c.98A>G, p.Asp33Gly (NM_057165.5, NM_057167.4); c.92-6679A>G (NM_057166.5, NM_057164.5); short protein forms D239G, D33G.
Identifiers: ClinVar variation 1055074 (VCV001055074.9), dbSNP rs2078202028, ClinGen allele CA351224381.

ClinVar aggregate classification (germline): Uncertain significance (1 of 4 stars; one submission).

Conditions:
Bethlem myopathy 1A. Also called: Bethlem Muscular Dystrophy; MYOPATHY, BENIGN CONGENITAL, WITH CONTRACTURES; Bethlem myopathy 1. Identifiers: Orphanet 610, MedGen CN029274, MONDO:0024530, OMIM 158810.

Allele frequency attached by ClinVar (database versions not stated): gnomAD exomes below 0.00001.
gnomAD v4.1: 2 of 1,613,934 alleles (0.00012%); highest among the groups gnomAD compares: East Asian, 0.0045%; no homozygotes.

Submission:

Labcorp Genetics (formerly Invitae), Labcorp
Classification: Uncertain significance for Bethlem myopathy 1A. Last evaluated: 2023-01-16. Review status: criteria provided, single submitter. Criteria: Invitae Variant Classification Sherloc (09022015). Collection method: clinical testing. Allele origin: germline.
Comment: In summary, the available evidence is currently insufficient to determine the role of this variant in disease. Therefore, it has been classified as a Variant of Uncertain Significance. Advanced modeling of protein sequence and biophysical properties (such as structural, functional, and spatial information, amino acid conservation, physicochemical variation, residue mobility, and thermodynamic stability) performed at Invitae indicates that this missense variant is not expected to disrupt COL6A3 protein function. ClinVar contains an entry for this variant (Variation ID: 1055074). This variant has not been reported in the literature in individuals affected with COL6A3-related conditions. This variant is not present in population databases (gnomAD no frequency). This sequence change replaces aspartic acid, which is acidic and polar, with glycine, which is neutral and non-polar, at codon 239 of the COL6A3 protein (p.Asp239Gly).